The following is an entry in ClinVar:

ClinVar aggregate classification (germline): Uncertain significance (1 of 4 stars; one submission).

Conditions:
Hereditary cancer-predisposing syndrome. Also called: Neoplastic Syndromes, Hereditary; Tumor predisposition; Hereditary Cancer Syndrome; Hereditary neoplastic syndrome. Identifiers: Orphanet 140162, MedGen C0027672, MeSH D009386, MONDO:0015356.

Submission:

Ambry Genetics
Classification: Uncertain significance for Hereditary cancer-predisposing syndrome. Last evaluated: 2026-03-20. Review status: criteria provided, single submitter. Criteria: Ambry Variant Classification Scheme 2023. Collection method: clinical testing. Allele origin: germline.
Comment: The p.T710S variant (also known as c.2128A>T), located in coding exon 5 of the PALB2 gene, results from an A to T substitution at nucleotide position 2128. The threonine at codon 710 is replaced by serine, an amino acid with similar properties. This amino acid position is conserved. In addition, this alteration is predicted to be tolerated by in silico analysis. Based on the available evidence, the clinical significance of this variant remains unclear.

NM_024675.4(PALB2):c.2128A>T (p.Thr710Ser)

Gene: PALB2 (partner and localizer of BRCA2; minus strand). Cytogenetic location: 16p12.2.
Variant type: single nucleotide variant.
Coding change: c.2128A>T on transcript NM_024675.4 (MANE Select); coding-DNA position 2128, A replaced by T.
Protein change: p.Thr710Ser; replaces threonine 710 with serine.
Molecular consequence: missense variant. On other transcripts: intron variant (1).
Genome position (GRCh38, 1-based): chr16:23,630,026, T>A on the plus strand (A>T on the coding strand, the complement: PALB2 is on the minus strand). VCF-style: chr16-23630026-T-A. GRCh37 (hg19) VCF-style: chr16-23641347-T-A.
Other names: c.2068A>T, p.Thr690Ser (NM_001407296.1); c.2128A>T, p.Thr710Ser (NM_001407297.1, NM_001407298.1, NM_001407299.1 and 3 more transcripts); c.1243A>T, p.Thr415Ser (NM_001407304.1, NM_001407305.1, NM_001407306.1 and 5 more transcripts); c.49-751A>T (NM_001407314.1); c.340A>T, p.Thr114Ser (NM_001407312.1, NM_001407313.1); short protein forms T114S, T415S, T690S, T710S.
Identifiers: ClinVar variation 4861473 (VCV004861473.1).